The following is an entry in ClinVar:

ClinVar aggregate classification (germline): Likely benign. Review status: criteria provided, single submitter (1 of 4 stars). 2 submissions from 2 submitters: Likely benign (1). 1 of the submissions does not count toward it. Last evaluated 2026-07-01.

Conditions:
TTN-related disorder. Also called: TTN-related disorders; TTN-related condition; TTN-related disease.

gnomAD v4.1: 3 of 1,613,412 alleles (0.00019%); highest among the groups gnomAD compares: Admixed American, 0.005%; no homozygotes.

Submissions (2):

CeGaT Center for Human Genetics Tuebingen
Classification: Likely benign. Last evaluated: 2026-07-01. Review status: criteria provided, single submitter. Criteria: CeGaT Center For Human Genetics Tuebingen Variant Classification Criteria Version 2. Collection method: clinical testing. Allele origin: germline. Affected: yes. Observed: 1 variant allele.
Comment: TTN: BP4, BP7

PreventionGenetics, part of Exact Sciences
Classification: Likely benign for TTN-related condition. Last evaluated: 2024-04-18. Review status: no assertion criteria provided. Collection method: clinical testing. Allele origin: germline. Not counted in ClinVar's aggregate classification.
Comment: This variant is classified as likely benign based on ACMG/AMP sequence variant interpretation guidelines (Richards et al. 2015 PMID: 25741868, with internal and published modifications).

NM_001267550.2(TTN):c.42834G>A (p.Lys14278=)

Gene: TTN (titin; minus strand). Cytogenetic location: 2q31.2.
Variant type: single nucleotide variant.
Coding change: c.42834G>A on transcript NM_001267550.2 (MANE Select); coding-DNA position 42834, G replaced by A.
Protein change: p.Lys14278=; no amino-acid change (lysine 14278 retained).
Molecular consequence: synonymous variant.
Genome position (GRCh38, 1-based): chr2:178,633,525, C>T on the plus strand (G>A on the coding strand, the complement: TTN is on the minus strand). VCF-style: chr2-178633525-C-T. GRCh37 (hg19) VCF-style: chr2-179498252-C-T.
Other names: c.37911G>A, p.Lys12637= (NM_001256850.1); c.15639G>A, p.Lys5213= (NM_003319.4); c.35130G>A, p.Lys11710= (NM_133378.4); c.16014G>A, p.Lys5338= (NM_133432.3); c.16215G>A, p.Lys5405= (NM_133437.4).
Identifiers: ClinVar variation 3357537 (VCV003357537.2).
Genomic context (GRCh38, chr2:178,633,525, plus strand): 5'-TTCGCCTTTATCTTTAAGGTCCGCCTTTTTGATTTTTAAGATGCGGCGCAGGCCATCTGC[C>T]TTGATAGAATATTTGGGTGAAGGGACAATCTCTTCACCATCTTTGAACCATTTCACTGGT-3'
Protein context (NP_001254479.2, residues 14268-14288): EIVPSPKYSI[Lys14278=]ADGLRRILKI